The following is an entry in ClinVar:

ClinVar aggregate classification (germline): Uncertain significance. Review status: criteria provided, multiple submitters, no conflicts (2 of 4 stars). 4 submissions from 4 submitters: Uncertain significance (4). Last evaluated 2024-06-22.

Conditions:
Cowden syndrome 6 (CWS6). Identifiers: Orphanet 201, MedGen C3554519, MONDO:0014048, OMIM 615109.
Familial cancer of breast. Also called: Hereditary breast cancer; hereditary breast carcinoma; BREAST CANCER, FAMILIAL. Identifiers: Orphanet 227535, MedGen C0346153, MONDO:0016419, OMIM 114480. Disease mechanism: loss of function.
Proteus syndrome. Also called: GIGANTISM, PARTIAL, OF HANDS AND FEET, NEVI, HEMIHYPERTROPHY, AND MACROCEPHALY; Hemihypertrophy and macrocephaly; Partial gigantism of hands and feet, nevi, hemihypertrophy, macrocephaly; ELATTOPROTEUS SYNDROME; Macrocephaly mesodermal hamartoma spectrum; PROTEUS SYNDROME, SOMATIC. Identifiers: Orphanet 744, MedGen C0085261, MONDO:0008318, OMIM 176920. Disease mechanism: loss of function, gain of function.
Colorectal cancer. Also called: Colorectal cancer, somatic; Malignant Colorectal Neoplasm. Identifiers: MedGen C0346629, MONDO:0005575, OMIM 114500.
Ovarian cancer. Also called: OVARIAN CANCER, SOMATIC. Identifiers: Orphanet 213500, MedGen C1140680, MONDO:0008170, OMIM 167000.
AKT1-related disorder. Also called: AKT1-related condition.
Inborn genetic diseases. Identifiers: MedGen C0950123, MeSH D030342.

Allele frequency attached by ClinVar (database versions not stated): gnomAD exomes below 0.00001 and 0.00001; gnomAD 0.00001; TOPMed 0.00003.
gnomAD v4.1: 16 of 1,613,766 alleles (0.00099%); highest among the groups gnomAD compares: East Asian, 0.0089%; no homozygotes.

Submissions (4):

Fulgent Genetics
Classification: Uncertain significance for Familial cancer of breast; Colorectal cancer; Ovarian cancer; Proteus syndrome; Cowden syndrome 6. Last evaluated: 2024-06-22. Review status: criteria provided, single submitter. Criteria: ACMG Guidelines, 2015. Collection method: clinical testing. Allele origin: germline.

Ambry Genetics
Classification: Uncertain significance for Inborn genetic diseases. Last evaluated: 2023-07-22. Review status: criteria provided, single submitter. Criteria: Ambry Variant Classification Scheme 2023. Collection method: clinical testing. Allele origin: germline.
Comment: The p.R144H variant (also known as c.431G>A), located in coding exon 4 of the AKT1 gene, results from a G to A substitution at nucleotide position 431. The arginine at codon 144 is replaced by histidine, an amino acid with highly similar properties. This amino acid position is conserved. In addition, this alteration is predicted to be tolerated by in silico analysis. Since supporting evidence is limited at this time, the clinical significance of this alteration remains unclear.

PreventionGenetics, part of Exact Sciences
Classification: Uncertain significance for AKT1-related condition. Last evaluated: 2023-04-26. Review status: criteria provided, single submitter. Criteria: ACMG Guidelines, 2015. Collection method: clinical testing. Allele origin: germline.
Comment: The AKT1 c.431G>A variant is predicted to result in the amino acid substitution p.Arg144His. To our knowledge, this variant has not been reported in the literature. This variant is reported in 0.0054% of alleles in individuals of East Asian descent in gnomAD. In ClinVar, this variant is interpreted as uncertain. At this time, the clinical significance of this variant is uncertain due to the absence of conclusive functional and genetic evidence.

Labcorp Genetics (formerly Invitae), Labcorp
Classification: Uncertain significance for Cowden syndrome 6. Last evaluated: 2022-07-30. Review status: criteria provided, single submitter. Criteria: Invitae Variant Classification Sherloc (09022015). Collection method: clinical testing. Allele origin: germline.
Comment: This variant has not been reported in the literature in individuals affected with AKT1-related conditions. In summary, the available evidence is currently insufficient to determine the role of this variant in disease. Therefore, it has been classified as a Variant of Uncertain Significance. Algorithms developed to predict the effect of missense changes on protein structure and function are either unavailable or do not agree on the potential impact of this missense change (SIFT: "Deleterious"; PolyPhen-2: "Benign"; Align-GVGD: "Class C0"). ClinVar contains an entry for this variant (Variation ID: 410907). This variant is present in population databases (no rsID available, gnomAD 0.006%). This sequence change replaces arginine, which is basic and polar, with histidine, which is basic and polar, at codon 144 of the AKT1 protein (p.Arg144His).

NM_001382430.1(AKT1):c.431G>A (p.Arg144His)

Gene: AKT1 (AKT serine/threonine kinase 1; minus strand). Cytogenetic location: 14q32.33.
Variant type: single nucleotide variant.
Coding change: c.431G>A on transcript NM_001382430.1 (MANE Select); coding-DNA position 431, G replaced by A.
Protein change: p.Arg144His; replaces arginine 144 with histidine.
Molecular consequence: missense variant.
Genome position (GRCh38, 1-based): chr14:104,775,656, C>T on the plus strand (G>A on the coding strand, the complement: AKT1 is on the minus strand). VCF-style: chr14-104775656-C-T. GRCh37 (hg19) VCF-style: chr14-105241993-C-T.
Other names: c.431G>A, p.Arg144His (NM_001014431.2, NM_001014432.2, NM_001382431.1 and 3 more transcripts); short protein forms R144H.
Identifiers: ClinVar variation 410907 (VCV000410907.16), dbSNP rs1060503071, ClinGen allele CA16614120.